The following continues an entry in ClinVar:

NM_004415.4(DSP):c.273+5G>A

Gene: DSP. ClinVar aggregate classification (germline): Conflicting classifications of pathogenicity. Likely pathogenic (1); Uncertain significance (17); Likely benign (2).

Submissions 7 to 15 of 25:

All of Us Research Program, National Institutes of Health
Classification: Uncertain significance for Arrhythmogenic cardiomyopathy with wooly hair and keratoderma. Last evaluated: 2024-10-01. Review status: criteria provided, single submitter. Criteria: ACMG Guidelines, 2015. Collection method: clinical testing. Allele origin: germline. Inheritance: Autosomal dominant inheritance. Observed: 164 variant alleles, 164 heterozygotes.
Comment: This variant causes a G to A nucleotide substitution at the +5 position of intron 2 of the DSP gene. Computational splicing tools suggest that this variant may impact RNA splicing. An RNA study performed with cells from a carrier has not detected aberrant transcripts and showed only the wild-type transcript (PMID: 16774985; variant described as c.542+5G>A). This observation suggests that the variant does not impact splicing or may be the result of degradation of the aberrant transcripts. This variant has been reported in four individuals affected with arrhythmogenic right ventricular cardiomyopathy (PMID: 16774985, 21723241, Shestak et al. 2021, doi:10.15829/1560-4071-2021-4692) and in one individual afffected with dilated cardiomyopathy (PMID: 32826072). This variant has also been reported in compound heterozygous state with truncating variants in an individual affected with arrhythmogenic cardiomyopathy (PMID: 34290054) and in three unrelated individuals affected with Carvajal syndrome (OMIM 605676) (PMID: 34026522, Hoorntje et al. 2021, doi: 10.1101/2021.10.16.21264154). This variant occurs at an elevated frequency in the general population and has been identified in 79/281264 chromosomes (67/128380 non-Finnish European chromosomes) by the Genome Aggregation Database (gnomAD). The available evidence is insufficient to determine the role of this variant in disease conclusively. Therefore, this variant is classified as a Variant of Uncertain Significance.

This study involves interpretation of variants in research participants for the purpose of population health screening. Participant phenotype was not available at the time of variant classification. Additional details can be found in publication PMID: 35346344, PMCID: PMC8962531

Genomic Medicine Center of Excellence, King Faisal Specialist Hospital and Research Centre
Classification: Uncertain significance for Arrhythmogenic cardiomyopathy with wooly hair and keratoderma. Last evaluated: 2024-03-26. Review status: criteria provided, single submitter. Criteria: ACMG Guidelines, 2015. Collection method: clinical testing. Allele origin: germline.

CHEO Genetics Diagnostic Laboratory, Children's Hospital of Eastern Ontario
Classification: Uncertain significance for Cardiomyopathy. Last evaluated: 2023-05-16. Review status: criteria provided, single submitter. Criteria: ACMG Guidelines, 2015. Collection method: clinical testing. Allele origin: germline.

New York Genome Center
Classification: Uncertain significance for Arrhythmogenic right ventricular dysplasia 8. Last evaluated: 2023-05-04. Review status: criteria provided, single submitter. Criteria: NYGC Assertion Criteria 2020. Collection method: clinical testing. Allele origin: germline. Observed: 1 heterozygote.
Comment: The c.273+5G>A variant has previously been reported in multiple individuals with arrhythmogenic right ventricular cardiomyopathy, dilated cardiomyopathy, hypertrophic cardiomyopathy, and sinus bradycardia [PMID: 16774985, 21723241, 28416588, 27097650, 24070718, 28759816, 30847666, 31514951, 30398466,32277046, 34290054]. Multiple independent laboratories have deposited this variant as Variant of Uncertain Significance in the ClinVar database (Variation ID:163237). The c.273+5G>A variant is observed in 163 alleles (0.027% minor allele frequency with 0 homozygotes) in population databases (gnomAD v2.1.1 and v3.1.2,TOPMed Freeze 8). The c.273+5G>A variant is located in the splice region after exon 2 of this 24-exon gene and is predicted to affect mRNA splicing (Splice AI =0.670 and TraP score = 0.902). The cDNA analysis of lymphocyte RNA from an individual carrying the c.273+5G>A revealed no aberrant transcripts suggesting a nonsense-mediated mRNA decay of the aberrant transcripts [PMID: 16774985]. In another study, the analysis did not reveal alternative mRNA splicing in hiPSC-derived cardiomyocytes from an individual carrying the c.273+5G>A and c.6687delA [PMID: 34290054]. Based on available evidence this c.273+5G>A variant identified in DSP is classified as a Variant of Uncertain Significance.

Women's Health and Genetics/Laboratory Corporation of America, LabCorp
Classification: Uncertain significance. Last evaluated: 2022-08-22. Review status: criteria provided, single submitter. Criteria: LabCorp Variant Classification Summary - May 2015. Collection method: clinical testing. Allele origin: germline.
Comment: Variant summary: DSP c.273+5G>A alters a conserved nucleotide located close to a canonical splice site and therefore could affect mRNA splicing, leading to a significantly altered protein sequence. Several computational tools predict a significant impact on normal splicing: Two predict the variant abolishes a 5' splicing donor site and one predicts the variant weakens a 5' donor site. When mRNA transcripts from patient cells were examined, the variant did not appear to impact splicing, although very little protein was produced from the transcript even when cells were treated with NMD and protease inhibitors (Bliley_2021). The variant allele was found at a frequency of 0.00028 in 282064 control chromosomes (gnomAD, Basso_2006, Rigato_2013), predominantly at a frequency of 0.00052 within the Non-Finnish European subpopulation in the gnomAD database. The observed variant frequency within Non-Finnish European control individuals in the gnomAD database is approximately 21 fold of the estimated maximal expected allele frequency for a pathogenic variant in DSP causing Cardiomyopathy (2.5e-05), strongly suggesting that the variant is a benign polymorphism found primarily in populations of Non-Finnish European origin. c.273+5G>A has been reported in the literature in individuals affected with Cardiomyopathy (e.g. Rigato_2013, van Lint_2019, Gigli_2019, Surmacz_2018, Marschall_2019, van Wijngaarden_2020, Bliley_2021). These data indicate that the variant may be associated with disease. Additional experiments using a 3D-engineeered heart tissue contractile shortening assay showed that the variant produced less than half of the DSP protein seen in controls and approximately half of the engineered heart tissues broke after removal from the culture wells. Those that could be assayed showed elevated diastolic stress and stretching of the engineered tissue (Bliley_2021). Seven ClinVar submitters have assessed the variant since 2014: all have classified the variant as of uncertain significance. Based on the evidence outlined above, the variant was classified as uncertain significance.

Fulgent Genetics
Classification: Uncertain significance for Arrhythmogenic cardiomyopathy with wooly hair and keratoderma; Arrhythmogenic right ventricular dysplasia 8; Lethal acantholytic epidermolysis bullosa; Keratosis palmoplantaris striata 2; Cardiomyopathy, dilated, with wooly hair, keratoderma, and tooth agenesis. Last evaluated: 2022-04-21. Review status: criteria provided, single submitter. Criteria: ACMG Guidelines, 2015. Collection method: clinical testing. Allele origin: unknown.

ARUP Laboratories, Molecular Genetics and Genomics, ARUP Laboratories
Classification: Uncertain significance. Last evaluated: 2022-03-04. Review status: criteria provided, single submitter. Criteria: ARUP Molecular Germline Variant Investigation Process 2021. Collection method: clinical testing. Allele origin: germline.
Comment: The DSP c.273+5G>A variant (rs200473206), also known as c.542+5G>A, is reported in the literature in individuals affected with arrhythmogenic right ventricular cardiomyopathy and dilated cardiomyopathy (Basso 2006, Bauce 2011, Gigli 2019). This variant is reported in ClinVar (Variation ID: 163237), and is found in the non-Finnish European population with an allele frequency of 0.05% (67/128380 alleles) in the Genome Aggregation Database. This is an intronic variant in a moderately conserved nucleotide, and computational analyses (Alamut v.2.11) predict that this variant may impact splicing by weakening the nearby canonical donor splice site. However, given the lack of clinical and functional data, the significance of the c.273+5G>A variant is uncertain at this time. References: Basso et al. Ultrastructural evidence of intercalated disc remodelling in arrhythmogenic right ventricular cardiomyopathy: an electron microscopy investigation on endomyocardial biopsies. Eur Heart J. 2006; 27(15): 1847-1854. PMID: 16774985. Bauce et al. Clinical phenotype and diagnosis of arrhythmogenic right ventricular cardiomyopathy in pediatric patients carrying desmosomal gene mutations. Heart Rhythm. 2011; 8(11): 1686-1695. PMID: 21723241. Gigli M et al. Genetic Risk of Arrhythmic Phenotypes in Patients With Dilated Cardiomyopathy. J Am Coll Cardiol. 2019 Sep 17;74(11):1480-1490. PMID: 31514950731.

Ambry Genetics
Classification: Likely benign for Cardiovascular phenotype. Last evaluated: 2021-12-11. Review status: criteria provided, single submitter. Criteria: Ambry Variant Classification Scheme 2023. Collection method: clinical testing. Allele origin: germline.

Laboratory for Molecular Medicine, Mass General Brigham Personalized Medicine
Classification: Uncertain significance. Last evaluated: 2019-01-29. Review status: criteria provided, single submitter. Criteria: LMM Criteria. Collection method: clinical testing. Allele origin: germline. Observed: 3 variant alleles.
Comment: Variant classified as Uncertain Significance - Favor Benign. The c.273+5G>A variant in DSP has been reported in 1 individual with adolescent-onset VT, 1 individual with DCM, 1 individual with sinus bradycardia, 1 compound heterozygous individual with unspecified cardiomyopathy, and at least 3 individuals with ARVC (Basso 2006, Bauce 2011, Dal Ferra 2017, Mezzano 2016, Rigato 2013, te Rijdt 2017, LMM data). This variant has also been reported in ClinVar (Variation ID 163237) and has been identified in 68/125966 European chromosomes by the Genome Aggregation Database (gnomAD; dbSNP rs200473206). This variant is located in the 5' splice region. Computational tools suggest a possible impact to splicing. However, analysis of RNA from patients carrying this variant did not identify aberrant transcripts (Basso 2006), which may indicate that splicing is not impacted. Alternatively, this may be the result of RNA degradation, which is a frequent consequence of abnormal splicing. In summary, the clinical significance of the c.273+5G>A variant is uncertain.